The following is an entry in ClinVar:

NM_144670.6(A2ML1):c.811G>A (p.Glu271Lys)

Gene: A2ML1 (alpha-2-macroglobulin like 1; plus strand). Cytogenetic location: 12p13.31.
Variant type: single nucleotide variant.
Coding change: c.811G>A on transcript NM_144670.6 (MANE Select); coding-DNA position 811, G replaced by A.
Protein change: p.Glu271Lys; replaces glutamic acid 271 with lysine.
Molecular consequence: missense variant.
Genome position (GRCh38, 1-based): chr12:8,837,522, G>A. VCF-style: chr12-8837522-G-A. GRCh37 (hg19) VCF-style: chr12-8990118-G-A.
Other names: short protein forms E271K.
Identifiers: ClinVar variation 1762078 (VCV001762078.2), dbSNP rs1412681795, ClinGen allele CA383822977.
Genomic context (GRCh38, chr12:8,837,522, plus strand): 5'-CTAGGGGCAGTGCAGGTATCTGTGTGTCAGAAGGCAAATACTTACTGGTATCGAGAGGTG[G>A]AACGGGAACAGCTTCCTGACAAATGCAGGAACCTCTCTGGACAGGTGAGTAAATGACAGG-3'
Protein context (NP_653271.3, residues 261-281): KANTYWYREV[Glu271Lys]REQLPDKCRN

ClinVar aggregate classification (germline): Uncertain significance (1 of 4 stars; one submission).

Allele frequency attached by ClinVar (database versions not stated): gnomAD exomes below 0.00001.
gnomAD v4.1: 6 of 1,613,970 alleles (0.00037%); highest among the groups gnomAD compares: Middle Eastern, 0.016%; no homozygotes.

Submission:

Ambry Genetics
Classification: Uncertain significance. Last evaluated: 2022-07-29. Review status: criteria provided, single submitter. Criteria: Ambry Variant Classification Scheme 2023. Collection method: clinical testing. Allele origin: germline.
Comment: The p.E271K variant (also known as c.811G>A), located in coding exon 8 of the A2ML1 gene, results from a G to A substitution at nucleotide position 811. The glutamic acid at codon 271 is replaced by lysine, an amino acid with similar properties. This amino acid position is conserved. In addition, this alteration is predicted to be tolerated by in silico analysis. Since supporting evidence is limited at this time, the clinical significance of this alteration remains unclear.